The following is an entry in ClinVar:

NM_020964.3(EPG5):c.2839-10A>G

Gene: EPG5 (ectopic P-granules 5 autophagy tethering factor; minus strand). Cytogenetic location: 18q21.1.
Variant type: single nucleotide variant.
Coding change: c.2839-10A>G on transcript NM_020964.3 (MANE Select); 10 bases into the intron before coding-DNA position 2839, A replaced by G.
Molecular consequence: intron variant.
Genome position (GRCh38, 1-based): chr18:45,922,610, T>C on the plus strand (A>G on the coding strand, the complement: EPG5 is on the minus strand). VCF-style: chr18-45922610-T-C. GRCh37 (hg19) VCF-style: chr18-43502576-T-C.
Other names: c.2839-10A>G (NM_001410858.1, NM_001410859.1).
Identifiers: ClinVar variation 4745987 (VCV004745987.1).
Genomic context (GRCh38, chr18:45,922,610, plus strand): 5'-TGAGGTCTCGGGTGTCTCTCCATATCGAACAATACTGGCCAAATATGAAACCTAAAACAA[T>C]TATTTATTTTGAGCCACATTAGTCACACACAAATTAAATCAGTAAGCTCATACACTCATC-3'

ClinVar aggregate classification (germline): Uncertain significance (1 of 4 stars; one submission).

Conditions:
Vici syndrome (VICIS). Identifiers: Orphanet 1493, MedGen C1855772, MONDO:0009452, OMIM 242840.

gnomAD v4.1: 8 of 1,612,788 alleles (0.0005%); highest among the groups gnomAD compares: Non-Finnish European, 0.00059%; no homozygotes.

Submission:

Labcorp Genetics (formerly Invitae), Labcorp
Classification: Uncertain significance for Vici syndrome. Last evaluated: 2026-01-19. Review status: criteria provided, single submitter. Criteria: Invitae Variant Classification Sherloc (09022015). Collection method: clinical testing. Allele origin: germline.
Comment: This sequence change falls in intron 15 of the EPG5 gene. It does not directly change the encoded amino acid sequence of the EPG5 protein. This variant is present in population databases (rs371832207, gnomAD 0.003%). This variant has not been reported in the literature in individuals affected with EPG5-related conditions. Algorithms developed to predict the effect of sequence changes on RNA splicing suggest that this variant may disrupt the consensus splice site. In summary, the available evidence is currently insufficient to determine the role of this variant in disease. Therefore, it has been classified as a Variant of Uncertain Significance.